The following is an entry in ClinVar:

NM_206937.2(LIG4):c.686A>G (p.His229Arg)

Gene: LIG4 (DNA ligase 4; minus strand). Cytogenetic location: 13q33.3.
Variant type: single nucleotide variant.
Coding change: c.686A>G on transcript NM_206937.2 (MANE Select); coding-DNA position 686, A replaced by G.
Protein change: p.His229Arg; replaces histidine 229 with arginine.
Molecular consequence: missense variant.
Genome position (GRCh38, 1-based): chr13:108,210,583, T>C on the plus strand (A>G on the coding strand, the complement: LIG4 is on the minus strand). VCF-style: chr13-108210583-T-C. GRCh37 (hg19) VCF-style: chr13-108862931-T-C.
Other names: c.686A>G, p.His229Arg (NM_001098268.2, NM_001352598.2, NM_001352599.2 and 6 more transcripts); c.485A>G, p.His162Arg (NM_001330595.2); c.722A>G, p.His241Arg (NM_001352604.2); short protein forms H229R, H162R, H241R.
Identifiers: ClinVar variation 211376 (VCV000211376.23), dbSNP rs142957638, ClinGen allele CA209972.

ClinVar aggregate classification (germline): Conflicting classifications of pathogenicity. Review status: criteria provided, conflicting classifications (1 of 4 stars). 5 submissions from 5 submitters: Uncertain significance (2); Likely benign (2). 1 of the submissions does not count toward it. Last evaluated 2026-01-28.

Conditions:
LIG4-related disorder. Also called: LIG4-related condition; LIG4-related disorders. Identifiers: MedGen CN239380.
DNA ligase IV deficiency. Identifiers: Orphanet 99812, MedGen C1847827, MONDO:0011686, OMIM 606593.

Allele frequency attached by ClinVar (database versions not stated): gnomAD exomes 0.00017 and 0.00049; ExAC 0.00060; 1000 Genomes Project 30x 0.00078; 1000 Genomes Project 0.00100; gnomAD 0.00173 and 0.00196; TOPMed 0.00202; ESP Exome Variant Server 0.00254.
gnomAD v4.1: 505 of 1,613,382 alleles (0.031%); highest among the groups gnomAD compares: African/African-American, 0.62%; 1 homozygote.

Submissions (5):

Labcorp Genetics (formerly Invitae), Labcorp
Classification: Likely benign for DNA ligase IV deficiency. Last evaluated: 2026-01-28. Review status: criteria provided, single submitter. Criteria: Invitae Variant Classification Sherloc (09022015). Collection method: clinical testing. Allele origin: germline.

Blueprint Genetics
Classification: Likely benign. Last evaluated: 2024-09-02. Review status: criteria provided, single submitter. Criteria: ACMG Guidelines, 2015. Collection method: clinical testing. Allele origin: germline.

Eurofins Ntd Llc (ga)
Classification: Uncertain significance. Last evaluated: 2018-03-05. Review status: criteria provided, single submitter. Criteria: EGL ClinVar v180209 classification definitions. Collection method: clinical testing. Allele origin: germline. Observed: 1 variant allele, 1 heterozygote.

Genetic Services Laboratory, University of Chicago
Classification: Uncertain significance. Last evaluated: 2015-05-04. Review status: criteria provided, single submitter. Criteria: ACMG Guidelines, 2015. Collection method: clinical testing. Allele origin: germline.

PreventionGenetics, part of Exact Sciences
Classification: Likely benign for LIG4-related condition. Last evaluated: 2020-03-09. Review status: no assertion criteria provided. Collection method: clinical testing. Allele origin: germline. Not counted in ClinVar's aggregate classification.
Comment: This variant is classified as likely benign based on ACMG/AMP sequence variant interpretation guidelines (Richards et al. 2015 PMID: 25741868, with internal and published modifications).